The following is an entry in ClinVar:

ClinVar aggregate classification (germline): Uncertain significance (1 of 4 stars; one submission).

Conditions:
Inborn genetic diseases. Identifiers: MedGen C0950123, MeSH D030342.

Submission:

Ambry Genetics
Classification: Uncertain significance for Inborn genetic diseases. Last evaluated: 2026-01-18. Review status: criteria provided, single submitter. Criteria: Ambry Variant Classification Scheme 2023. Collection method: clinical testing. Allele origin: germline.
Comment: The p.F179L variant (also known as c.537C>G), located in coding exon 1 of the CEBPA gene, results from a C to G substitution at nucleotide position 537. The phenylalanine at codon 179 is replaced by leucine, an amino acid with highly similar properties. This amino acid position is conserved. In addition, this alteration is predicted to be tolerated by in silico analysis. Based on the available evidence, the clinical significance of this variant remains unclear.

NM_004364.5(CEBPA):c.537C>G (p.Phe179Leu)

Gene: CEBPA (CCAAT enhancer binding protein alpha; minus strand). Cytogenetic location: 19q13.11.
Variant type: single nucleotide variant.
Coding change: c.537C>G on transcript NM_004364.5 (MANE Select); coding-DNA position 537, C replaced by G.
Protein change: p.Phe179Leu; replaces phenylalanine 179 with leucine.
Molecular consequence: missense variant.
Genome position (GRCh38, 1-based): chr19:33,301,878, G>C on the plus strand (C>G on the coding strand, the complement: CEBPA is on the minus strand). VCF-style: chr19-33301878-G-C. GRCh37 (hg19) VCF-style: chr19-33792784-G-C.
Other names: c.180C>G, p.Phe60Leu (NM_001285829.2); c.642C>G, p.Phe214Leu (NM_001287424.2); c.495C>G, p.Phe165Leu (NM_001287435.2); short protein forms F179L, F165L, F214L, F60L.
Identifiers: ClinVar variation 4824856 (VCV004824856.1).